The following is an entry in ClinVar:

NM_004100.5(EYA4):c.1052C>A (p.Ser351Tyr)

Gene: EYA4 (EYA transcriptional coactivator and phosphatase 4; plus strand). Cytogenetic location: 6q23.2.
Variant type: single nucleotide variant.
Coding change: c.1052C>A on transcript NM_004100.5 (MANE Select); coding-DNA position 1052, C replaced by A.
Protein change: p.Ser351Tyr; replaces serine 351 with tyrosine.
Molecular consequence: missense variant.
Genome position (GRCh38, 1-based): chr6:133,481,544, C>A. VCF-style: chr6-133481544-C-A. GRCh37 (hg19) VCF-style: chr6-133802682-C-A.
Other names: c.890C>A, p.Ser297Tyr (NM_001301012.2); c.1070C>A, p.Ser357Tyr (NM_001301013.2); c.983C>A, p.Ser328Tyr (NM_001370458.1, NM_172103.4); c.908C>A, p.Ser303Tyr (NM_001370459.1); c.1052C>A, p.Ser351Tyr (NM_172105.4); short protein forms S328Y, S351Y, S357Y, S297Y, S303Y.
Identifiers: ClinVar variation 4740650 (VCV004740650.1).
Genomic context (GRCh38, chr6:133,481,544, plus strand): 5'-GTCCCTCCACACCCATCAAAGATCTTGATGAGAGAACCTGTAGGAGTTCTGGGTCAAAGT[C>A]CAGAGGAAGAGGCCGGAAAAATAATCCCTCCCCGCCTCCTGATAGTGACCTGGAGGTATG-3'
Protein context (NP_004091.3, residues 341-361): ERTCRSSGSK[Ser351Tyr]RGRGRKNNPS

ClinVar aggregate classification (germline): Uncertain significance (1 of 4 stars; one submission).

Conditions:
Dilated cardiomyopathy 1J (CMD1J). Also called: CARDIOMYOPATHY, DILATED, WITH SENSORINEURAL HEARING LOSS, AUTOSOMAL DOMINANT. Identifiers: Orphanet 217622, MedGen C1854368, MONDO:0011541, OMIM 605362.

Submission:

Labcorp Genetics (formerly Invitae), Labcorp
Classification: Uncertain significance for Dilated cardiomyopathy 1J. Last evaluated: 2025-07-22. Review status: criteria provided, single submitter. Criteria: Invitae Variant Classification Sherloc (09022015). Collection method: clinical testing. Allele origin: germline.
Comment: This sequence change replaces serine, which is neutral and polar, with tyrosine, which is neutral and polar, at codon 351 of the EYA4 protein (p.Ser351Tyr). This variant is not present in population databases (gnomAD no frequency). This variant has not been reported in the literature in individuals affected with EYA4-related conditions. Invitae Evidence Modeling of protein sequence and biophysical properties (such as structural, functional, and spatial information, amino acid conservation, physicochemical variation, residue mobility, and thermodynamic stability) indicates that this missense variant is not expected to disrupt EYA4 protein function with a negative predictive value of 80%. In summary, the available evidence is currently insufficient to determine the role of this variant in disease. Therefore, it has been classified as a Variant of Uncertain Significance.